The following is an entry in ClinVar:

ClinVar aggregate classification (germline): Uncertain significance (1 of 4 stars; one submission).

Submission:

Ambry Genetics
Classification: Uncertain significance. Last evaluated: 2024-04-09. Review status: criteria provided, single submitter. Criteria: Ambry Variant Classification Scheme 2023. Collection method: clinical testing. Allele origin: germline.
Comment: The p.L436F variant (also known as c.1306C>T), located in coding exon 9 of the POLQ gene, results from a C to T substitution at nucleotide position 1306. The leucine at codon 436 is replaced by phenylalanine, an amino acid with highly similar properties. This amino acid position is conserved. In addition, this alteration is predicted to be tolerated by in silico analysis. Based on the available evidence, the clinical significance of this variant remains unclear.

NM_199420.4(POLQ):c.1306C>T (p.Leu436Phe)

Gene: POLQ (DNA polymerase theta; minus strand). Cytogenetic location: 3q13.33.
Variant type: single nucleotide variant.
Coding change: c.1306C>T on transcript NM_199420.4 (MANE Select); coding-DNA position 1306, C replaced by T.
Protein change: p.Leu436Phe; replaces leucine 436 with phenylalanine.
Molecular consequence: missense variant.
Genome position (GRCh38, 1-based): chr3:121,520,033, G>A on the plus strand (C>T on the coding strand, the complement: POLQ is on the minus strand). VCF-style: chr3-121520033-G-A. GRCh37 (hg19) VCF-style: chr3-121238880-G-A.
Other names: short protein forms L436F.
Identifiers: ClinVar variation 3308628 (VCV003308628.1).